The following is an entry in ClinVar:

NM_020207.7(ERCC6L2):c.563A>T (p.Lys188Ile)

Gene: ERCC6L2 (ERCC excision repair 6 like 2; plus strand). Cytogenetic location: 9q22.32.
Variant type: single nucleotide variant.
Coding change: c.563A>T on transcript NM_020207.7 (MANE Select); coding-DNA position 563, A replaced by T.
Protein change: p.Lys188Ile; replaces lysine 188 with isoleucine.
Molecular consequence: missense variant. On other transcripts: non-coding transcript variant (1).
Genome position (GRCh38, 1-based): chr9:95,897,940, A>T. VCF-style: chr9-95897940-A-T. GRCh37 (hg19) VCF-style: chr9-98660222-A-T.
Other names: c.563A>T, p.Lys188Ile (NM_001010895.4, NM_001375291.1, NM_001375292.1 and 2 more transcripts); short protein forms K188I.
Identifiers: ClinVar variation 3845851 (VCV003845851.2).
Genomic context (GRCh38, chr9:95,897,940, plus strand): 5'-AAAAGGGAACTCGTGAGGATATTGAAAATAACATGCCAGAGTTTTTACTAAGAAGTATGA[A>T]AAAGGAACCCCTTTCTTCTACAGCAAAAAAGGTAAAATCTCTAGACAATGTATATTCTAC-3'
Protein context (NP_064592.3, residues 178-198): NMPEFLLRSM[Lys188Ile]KEPLSSTAKK

ClinVar aggregate classification (germline): Uncertain significance. Review status: criteria provided, multiple submitters, no conflicts (2 of 4 stars). 2 submissions from 2 submitters: Uncertain significance (2). Last evaluated 2025-07-30.

Conditions:
Inborn genetic diseases. Identifiers: MedGen C0950123, MeSH D030342.

gnomAD v4.1: 50 of 1,612,332 alleles (0.0031%); highest among the groups gnomAD compares: Non-Finnish European, 0.0042%; no homozygotes.

Submissions (2):

Labcorp Genetics (formerly Invitae), Labcorp
Classification: Uncertain significance. Last evaluated: 2025-07-30. Review status: criteria provided, single submitter. Criteria: Invitae Variant Classification Sherloc (09022015). Collection method: clinical testing. Allele origin: germline.
Comment: This sequence change replaces lysine, which is basic and polar, with isoleucine, which is neutral and non-polar, at codon 199 of the ERCC6L2 protein (p.Lys199Ile). This variant is present in population databases (rs772747987, gnomAD 0.0009%). This variant has not been reported in the literature in individuals affected with ERCC6L2-related conditions. ClinVar contains an entry for this variant (Variation ID: 3845851). Experimental studies and prediction algorithms are not available or were not evaluated, and the functional significance of this variant is currently unknown. In summary, the available evidence is currently insufficient to determine the role of this variant in disease. Therefore, it has been classified as a Variant of Uncertain Significance.

Ambry Genetics
Classification: Uncertain significance for Inborn genetic diseases. Last evaluated: 2025-01-07. Review status: criteria provided, single submitter. Criteria: Ambry Variant Classification Scheme 2023. Collection method: clinical testing. Allele origin: germline.
Comment: The p.K188I variant (also known as c.563A>T), located in coding exon 3 of the ERCC6L2 gene, results from an A to T substitution at nucleotide position 563. The lysine at codon 188 is replaced by isoleucine, an amino acid with dissimilar properties. This amino acid position is conserved. In addition, the in silico prediction for this alteration is inconclusive. Based on the available evidence, the clinical significance of this variant remains unclear.